The following is an entry in ClinVar:

NM_006767.4(LZTR1):c.1257C>A (p.Phe419Leu)

Gene: LZTR1 (leucine zipper like post translational regulator 1; plus strand). Cytogenetic location: 22q11.21.
Variant type: single nucleotide variant.
Coding change: c.1257C>A on transcript NM_006767.4 (MANE Select); coding-DNA position 1257, C replaced by A.
Protein change: p.Phe419Leu; replaces phenylalanine 419 with leucine.
Molecular consequence: missense variant.
Genome position (GRCh38, 1-based): chr22:20,992,901, C>A. VCF-style: chr22-20992901-C-A. GRCh37 (hg19) VCF-style: chr22-21347190-C-A.
Other names: short protein forms F419L.
Identifiers: ClinVar variation 3541723 (VCV003541723.1).

ClinVar aggregate classification (germline): Uncertain significance (1 of 4 stars; one submission).

Conditions:
Hereditary cancer-predisposing syndrome. Also called: Hereditary Cancer Syndrome; Hereditary neoplastic syndrome; Tumor predisposition; Neoplastic Syndromes, Hereditary. Identifiers: Orphanet 140162, MedGen C0027672, MeSH D009386, MONDO:0015356.
Cardiovascular phenotype. Identifiers: MedGen CN230736.

Submission:

Ambry Genetics
Classification: Uncertain significance for Cardiovascular phenotype; Hereditary cancer-predisposing syndrome. Last evaluated: 2024-11-28. Review status: criteria provided, single submitter. Criteria: Ambry Variant Classification Scheme 2023. Collection method: clinical testing. Allele origin: germline.
Comment: The p.F419L variant (also known as c.1257C>A), located in coding exon 11 of the LZTR1 gene, results from a C to A substitution at nucleotide position 1257. The phenylalanine at codon 419 is replaced by leucine, an amino acid with highly similar properties. This amino acid position is conserved. In addition, this alteration is predicted to be tolerated by in silico analysis. Based on the available evidence, the clinical significance of this variant remains unclear.